The following is an entry in ClinVar:

NM_006005.3(WFS1):c.2192T>A (p.Met731Lys)

Gene: WFS1 (wolframin ER transmembrane glycoprotein; plus strand). Cytogenetic location: 4p16.1.
Variant type: single nucleotide variant.
Coding change: c.2192T>A on transcript NM_006005.3 (MANE Select); coding-DNA position 2192, T replaced by A.
Protein change: p.Met731Lys; replaces methionine 731 with lysine.
Molecular consequence: missense variant.
Genome position (GRCh38, 1-based): chr4:6,301,987, T>A. VCF-style: chr4-6301987-T-A. GRCh37 (hg19) VCF-style: chr4-6303714-T-A.
Other names: c.2192T>A, p.Met731Lys (NM_001145853.1); short protein forms M731K.
Identifiers: ClinVar variation 1404886 (VCV001404886.8), dbSNP rs146418094, ClinGen allele CA91796920.

ClinVar aggregate classification (germline): Uncertain significance. Review status: criteria provided, multiple submitters, no conflicts (2 of 4 stars). 2 submissions from 2 submitters: Uncertain significance (2). Last evaluated 2022-10-19.

Submissions (2):

Labcorp Genetics (formerly Invitae), Labcorp
Classification: Uncertain significance. Last evaluated: 2022-10-19. Review status: criteria provided, single submitter. Criteria: Invitae Variant Classification Sherloc (09022015). Collection method: clinical testing. Allele origin: germline.
Comment: This sequence change replaces methionine, which is neutral and non-polar, with lysine, which is basic and polar, at codon 731 of the WFS1 protein (p.Met731Lys). This variant is not present in population databases (gnomAD no frequency). This variant has not been reported in the literature in individuals affected with WFS1-related conditions. ClinVar contains an entry for this variant (Variation ID: 1404886). Advanced modeling of protein sequence and biophysical properties (such as structural, functional, and spatial information, amino acid conservation, physicochemical variation, residue mobility, and thermodynamic stability) has been performed at Invitae for this missense variant, however the output from this modeling did not meet the statistical confidence thresholds required to predict the impact of this variant on WFS1 protein function. In summary, the available evidence is currently insufficient to determine the role of this variant in disease. Therefore, it has been classified as a Variant of Uncertain Significance.

Blueprint Genetics
Classification: Uncertain significance. Last evaluated: 2021-12-23. Review status: criteria provided, single submitter. Criteria: ACMG Guidelines, 2015. Collection method: clinical testing. Allele origin: germline.